The following is an entry in ClinVar:

ClinVar aggregate classification (germline): Likely benign. Review status: criteria provided, multiple submitters, no conflicts (2 of 4 stars). 3 submissions from 3 submitters: Likely benign (3). Last evaluated 2026-01-26.

Conditions:
Neuropathy, hereditary sensory, type 2C. Also called: KIF1A-Related HSAN2 (HSAN2C); Hereditary sensory and autonomic neuropathy type IIC. Identifiers: Orphanet 970, MedGen C3280168, MONDO:0013634, OMIM 614213.
Intellectual disability, autosomal dominant 9 (NESCAVS). Also called: NESCAV SYNDROME; KIF1A-Related Neurodevelopmental Disorder. Identifiers: Orphanet 662367, MedGen C5393830, MONDO:0013656, OMIM 614255.
Hereditary spastic paraplegia 30. Identifiers: Orphanet 101010, MedGen C5235139, MONDO:0012476.

Allele frequency attached by ClinVar (database versions not stated): ExAC 0.00004; gnomAD 0.00004 and 0.00005; gnomAD exomes 0.00004 and 0.00012; TOPMed 0.00005.
gnomAD v4.1: 196 of 1,612,846 alleles (0.012%); highest among the groups gnomAD compares: Non-Finnish European, 0.015%; 1 homozygote.

Submissions (3):

Labcorp Genetics (formerly Invitae), Labcorp
Classification: Likely benign for Hereditary spastic paraplegia 30; Neuropathy, hereditary sensory, type 2C; Intellectual disability, autosomal dominant 9. Last evaluated: 2026-01-26. Review status: criteria provided, single submitter. Criteria: Invitae Variant Classification Sherloc (09022015). Collection method: clinical testing. Allele origin: germline.

ARUP Laboratories, Molecular Genetics and Genomics, ARUP Laboratories
Classification: Likely benign. Last evaluated: 2025-06-05. Review status: criteria provided, single submitter. Criteria: ARUP Molecular Germline Variant Investigation Process 2024. Collection method: clinical testing. Allele origin: germline.

GeneDx
Classification: Likely benign. Last evaluated: 2016-08-03. Review status: criteria provided, single submitter. Criteria: GeneDx Variant Classification (06012015). Collection method: clinical testing. Allele origin: germline. Affected: yes.
Comment: This variant is considered likely benign or benign based on one or more of the following criteria: it is a conservative change, it occurs at a poorly conserved position in the protein, it is predicted to be benign by multiple in silico algorithms, and/or has population frequency not consistent with disease.

NM_001244008.2(KIF1A):c.184-14T>C

Gene: KIF1A (kinesin family member 1A; minus strand). Cytogenetic location: 2q37.3.
Variant type: single nucleotide variant.
Coding change: c.184-14T>C on transcript NM_001244008.2 (MANE Select); 14 bases into the intron before coding-DNA position 184, T replaced by C.
Molecular consequence: intron variant.
Genome position (GRCh38, 1-based): chr2:240,788,244, A>G on the plus strand (T>C on the coding strand, the complement: KIF1A is on the minus strand). VCF-style: chr2-240788244-A-G. GRCh37 (hg19) VCF-style: chr2-241727661-A-G.
Other names: c.184-14T>C (NM_001379653.1, NM_001379650.1, NM_001379645.1 and 20 more transcripts).
Identifiers: ClinVar variation 388330 (VCV000388330.10), dbSNP rs753798501, ClinGen allele CA2208859.